The following is an entry in ClinVar:

NM_000059.4(BRCA2):c.2351T>G (p.Met784Arg)

Gene: BRCA2 (BRCA2 DNA repair associated; plus strand). Cytogenetic location: 13q13.1.
Variant type: single nucleotide variant.
Coding change: c.2351T>G on transcript NM_000059.4 (MANE Select); coding-DNA position 2351, T replaced by G.
Protein change: p.Met784Arg; replaces methionine 784 with arginine.
Molecular consequence: missense variant.
Genome position (GRCh38, 1-based): chr13:32,336,706, T>G. VCF-style: chr13-32336706-T-G. GRCh37 (hg19) VCF-style: chr13-32910843-T-G.
Other names: short protein forms M784R.
Identifiers: ClinVar variation 483093 (VCV000483093.8), dbSNP rs1555282633, ClinGen allele CA387771650.

ClinVar aggregate classification (germline): Conflicting classifications of pathogenicity. Review status: criteria provided, conflicting classifications (1 of 4 stars). 2 submissions from 2 submitters: Uncertain significance (1); Likely benign (1). Last evaluated 2024-12-08.

Conditions:
Hereditary cancer-predisposing syndrome. Also called: Neoplastic Syndromes, Hereditary; Tumor predisposition; Hereditary Cancer Syndrome; Hereditary neoplastic syndrome. Identifiers: Orphanet 140162, MedGen C0027672, MeSH D009386, MONDO:0015356.

gnomAD v4.1: 1 of 1,614,006 alleles (0.000062%); highest among the groups gnomAD compares: Middle Eastern, 0.017%; no homozygotes.

Submissions (2):

Ambry Genetics
Classification: Uncertain significance for Hereditary cancer-predisposing syndrome. Last evaluated: 2024-12-08. Review status: criteria provided, single submitter. Criteria: Ambry Variant Classification Scheme 2023. Collection method: clinical testing. Allele origin: germline.
Comment: The p.M784R variant (also known as c.2351T>G), located in coding exon 10 of the BRCA2 gene, results from a T to G substitution at nucleotide position 2351. The methionine at codon 784 is replaced by arginine, an amino acid with similar properties. This amino acid position is poorly conserved in available vertebrate species. In addition, this alteration is predicted to be tolerated by in silico analysis. Since supporting evidence is limited at this time, the clinical significance of this alteration remains unclear.

University of Washington Department of Laboratory Medicine, University of Washington
Classification: Likely benign for Hereditary cancer-predisposing syndrome. Last evaluated: 2023-03-23. Review status: criteria provided, single submitter. Criteria: Dines et al. (Genet Med. 2020). Collection method: curation. Allele origin: germline.
Comment: Missense variant in a coldspot region where missense variants are very unlikely to be pathogenic (PMID:31911673).

BRCA2 exon 11 coldspot. Reclassification based on statistical prior probability.